The following is an entry in ClinVar:

NM_001384474.1(LOXHD1):c.1640G>A (p.Arg547His)

Gene: LOXHD1 (lipoxygenase homology PLAT domains 1; minus strand). Cytogenetic location: 18q21.1.
Variant type: single nucleotide variant.
Coding change: c.1640G>A on transcript NM_001384474.1 (MANE Select); coding-DNA position 1640, G replaced by A.
Protein change: p.Arg547His; replaces arginine 547 with histidine.
Molecular consequence: missense variant.
Genome position (GRCh38, 1-based): chr18:46,591,947, C>T on the plus strand (G>A on the coding strand, the complement: LOXHD1 is on the minus strand). VCF-style: chr18-46591947-C-T. GRCh37 (hg19) VCF-style: chr18-44171910-C-T.
Other names: c.1640G>A, p.Arg547His (NM_144612.7); short protein forms R547H.
Identifiers: ClinVar variation 228813 (VCV000228813.12), dbSNP rs184173766, ClinGen allele CA8952776.
Genomic context (GRCh38, chr18:46,591,947, plus strand): 5'-CAGGAGTTCCACTGCCTCCCAGGATGGAGAGCCTGTCAGTACTTACTGCCCATGATCCTG[C>T]GCACTGTTGGGCCTTCTGCAGTCATTTCCCTCACTATCTCATTGTCATCCTCATTGGCAT-3'
Protein context (NP_001371403.1, residues 537-557): REMTAEGPTV[Arg547His]RIMGMARYHV

ClinVar aggregate classification (germline): Uncertain significance. Review status: criteria provided, multiple submitters, no conflicts (2 of 4 stars). 4 submissions from 4 submitters: Uncertain significance (3). 1 of the submissions does not count toward it. Last evaluated 2024-05-29.

Conditions:
Inborn genetic diseases. Identifiers: MedGen C0950123, MeSH D030342.
Autosomal recessive nonsyndromic hearing loss 77. Identifiers: Orphanet 90636, MedGen C2746083, MONDO:0013119, OMIM 613079.

Allele frequency attached by ClinVar (database versions not stated): gnomAD 0.00009; gnomAD exomes 0.00009; ExAC 0.00013; TOPMed 0.00014; ESP Exome Variant Server 0.00022; 1000 Genomes Project 0.00040; 1000 Genomes Project 30x 0.00062.
gnomAD v4.1: 196 of 1,551,860 alleles (0.013%); highest among the groups gnomAD compares: Middle Eastern, 0.033%; 1 homozygote.

Submissions (4):

Ambry Genetics
Classification: Uncertain significance for Inborn genetic diseases. Last evaluated: 2024-05-29. Review status: criteria provided, single submitter. Criteria: Ambry Variant Classification Scheme 2023. Collection method: clinical testing. Allele origin: germline.

Laboratory for Molecular Medicine, Mass General Brigham Personalized Medicine
Classification: Uncertain significance. Last evaluated: 2020-10-23. Review status: criteria provided, single submitter. Criteria: LMM Criteria. Collection method: clinical testing. Allele origin: germline. Observed: 2 variant alleles.
Comment: Variant classified as Uncertain Significance - Favor Benign. Computational prediction tools and conservation analysis suggest that the p.Arg547His variant may not impact the protein, though this information is not predictive enough to rule out pathogenicity. Of note, chimp has this variant, Histidine (His), at this position. In summary, while the clinical significance of the p.Arg547His variant is uncertain, lack of conservation across species suggests that it is more likely to be benign. ACMG/AMP Criteria applied: BP4, PM2_Supporting

Illumina Laboratory Services, Illumina
Classification: Uncertain significance for Autosomal recessive nonsyndromic hearing loss 77. Last evaluated: 2018-01-13. Review status: criteria provided, single submitter. Criteria: ICSL Variant Classification Criteria 13 December 2019. Collection method: clinical testing. Allele origin: germline.

Natera, Inc.
Classification: Uncertain significance for Autosomal recessive deafness type 77. Last evaluated: 2019-10-28. Review status: no assertion criteria provided. Collection method: clinical testing. Allele origin: germline. Not counted in ClinVar's aggregate classification.